The following is an entry in ClinVar:

NM_005012.4(ROR1):c.2725C>A (p.Pro909Thr)

Gene: ROR1 (receptor tyrosine kinase like orphan receptor 1; plus strand). Cytogenetic location: 1p31.3.
Variant type: single nucleotide variant.
Coding change: c.2725C>A on transcript NM_005012.4 (MANE Select); coding-DNA position 2725, C replaced by A.
Protein change: p.Pro909Thr; replaces proline 909 with threonine.
Molecular consequence: missense variant.
Genome position (GRCh38, 1-based): chr1:64,178,766, C>A. VCF-style: chr1-64178766-C-A. GRCh37 (hg19) VCF-style: chr1-64644449-C-A.
Other names: short protein forms P909T.
Identifiers: ClinVar variation 1450771 (VCV001450771.7), dbSNP rs772658859, ClinGen allele CA340648744.

ClinVar aggregate classification (germline): Uncertain significance (1 of 4 stars; one submission).

Allele frequency attached by ClinVar (database versions not stated): gnomAD exomes below 0.00001; gnomAD 0.00002; TOPMed 0.00002.
gnomAD v4.1: 4 of 1,613,926 alleles (0.00025%); highest among the groups gnomAD compares: African/African-American, 0.0053%; no homozygotes.

Submission:

Labcorp Genetics (formerly Invitae), Labcorp
Classification: Uncertain significance. Last evaluated: 2022-07-05. Review status: criteria provided, single submitter. Criteria: Invitae Variant Classification Sherloc (09022015). Collection method: clinical testing. Allele origin: germline.
Comment: In summary, the available evidence is currently insufficient to determine the role of this variant in disease. Therefore, it has been classified as a Variant of Uncertain Significance. Algorithms developed to predict the effect of missense changes on protein structure and function (SIFT, PolyPhen-2, Align-GVGD) all suggest that this variant is likely to be tolerated. ClinVar contains an entry for this variant (Variation ID: 1450771). This variant has not been reported in the literature in individuals affected with ROR1-related conditions. The frequency data for this variant in the population databases is considered unreliable, as metrics indicate poor data quality at this position in the gnomAD database. This sequence change replaces proline, which is neutral and non-polar, with threonine, which is neutral and polar, at codon 909 of the ROR1 protein (p.Pro909Thr).